The following is an entry in ClinVar:

ClinVar aggregate classification (germline): Uncertain significance (1 of 4 stars; one submission).

Conditions:
Jeune thoracic dystrophy. Also called: Jeune syndrome; Infantile thoracic dystrophy; Thoracic pelvic phalangeal dystrophy; Jeune's syndrome; Chondroectodermal dysplasia-like syndrome; Short-rib thoracic dysplasia. Identifiers: Orphanet 474, MedGen C0265275, MONDO:0018770.

Allele frequency attached by ClinVar (database versions not stated): TOPMed below 0.00001.

Submission:

Labcorp Genetics (formerly Invitae), Labcorp
Classification: Uncertain significance for Jeune thoracic dystrophy. Last evaluated: 2022-05-24. Review status: criteria provided, single submitter. Criteria: Invitae Variant Classification Sherloc (09022015). Collection method: clinical testing. Allele origin: germline.
Comment: In summary, the available evidence is currently insufficient to determine the role of this variant in disease. Therefore, it has been classified as a Variant of Uncertain Significance. This variant is not present in population databases (gnomAD no frequency). Advanced modeling of protein sequence and biophysical properties (such as structural, functional, and spatial information, amino acid conservation, physicochemical variation, residue mobility, and thermodynamic stability) performed at Invitae indicates that this missense variant is not expected to disrupt DYNC2H1 protein function. This variant has not been reported in the literature in individuals affected with DYNC2H1-related conditions. This sequence change replaces lysine, which is basic and polar, with arginine, which is basic and polar, at codon 4164 of the DYNC2H1 protein (p.Lys4164Arg).

NM_001377.3(DYNC2H1):c.12470A>G (p.Lys4157Arg)

Gene: DYNC2H1 (dynein cytoplasmic 2 heavy chain 1; plus strand). Cytogenetic location: 11q22.3.
Variant type: single nucleotide variant.
Coding change: c.12470A>G on transcript NM_001377.3 (MANE Select); coding-DNA position 12470, A replaced by G.
Protein change: p.Lys4157Arg; replaces lysine 4157 with arginine.
Molecular consequence: missense variant.
Genome position (GRCh38, 1-based): chr11:103,455,199, A>G. VCF-style: chr11-103455199-A-G. GRCh37 (hg19) VCF-style: chr11-103325927-A-G.
Other names: c.12491A>G, p.Lys4164Arg (NM_001080463.2); short protein forms K4164R, K4157R.
Identifiers: ClinVar variation 1987148 (VCV001987148.4), dbSNP rs1944745998, ClinGen allele CA382289454.